The following is an entry in ClinVar:

ClinVar aggregate classification (germline): Conflicting classifications of pathogenicity. Review status: criteria provided, conflicting classifications (1 of 4 stars). 5 submissions from 5 submitters: Uncertain significance (4); Likely benign (1). Last evaluated 2023-09-05.

Conditions:
Hereditary cancer-predisposing syndrome. Also called: Neoplastic Syndromes, Hereditary; Hereditary Cancer Syndrome; Tumor predisposition; Hereditary neoplastic syndrome. Identifiers: Orphanet 140162, MedGen C0027672, MeSH D009386, MONDO:0015356.
Hereditary breast ovarian cancer syndrome. Also called: Breast and ovarian cancer; BRCA1- and BRCA2-Associated Hereditary Breast and Ovarian Cancer; Hereditary breast and ovarian cancer syndrome; Hereditary breast and ovarian cancer syndrome (HBOC); Hereditary breast and/or ovarian cancer syndrome; Hereditary breast and ovarian cancer. Identifiers: Orphanet 145, MedGen C0677776, MeSH D061325, MONDO:0003582. Disease mechanism: loss of function.

Allele frequency attached by ClinVar (database versions not stated): gnomAD 0.00001; gnomAD exomes 0.00001 and 0.00002; ExAC 0.00002.
gnomAD v4.1: 7 of 1,613,608 alleles (0.00043%); no homozygotes.

Submissions (5):

Blueprint Genetics
Classification: Uncertain significance. Last evaluated: 2023-09-05. Review status: criteria provided, single submitter. Criteria: ACMG Guidelines, 2015. Collection method: clinical testing. Allele origin: germline.

University of Washington Department of Laboratory Medicine, University of Washington
Classification: Likely benign for Hereditary cancer-predisposing syndrome. Last evaluated: 2023-03-23. Review status: criteria provided, single submitter. Criteria: Dines et al. (Genet Med. 2020). Collection method: curation. Allele origin: germline.
Comment: Missense variant in a coldspot region where missense variants are very unlikely to be pathogenic (PMID:31911673).

BRCA1 coldspot (exon 11 using historical exon numbering). Reclassification based on statistical prior probability

Ambry Genetics
Classification: Uncertain significance for Hereditary cancer-predisposing syndrome. Last evaluated: 2022-11-29. Review status: criteria provided, single submitter. Criteria: Ambry Variant Classification Scheme 2023. Collection method: clinical testing. Allele origin: germline.
Comment: The p.G552S variant (also known as c.1654G>A), located in coding exon 9 of the BRCA1 gene, results from a G to A substitution at nucleotide position 1654. The glycine at codon 552 is replaced by serine, an amino acid with similar properties. This amino acid position is not well conserved in available vertebrate species. In addition, the in silico prediction for this alteration is inconclusive. Since supporting evidence is limited at this time, the clinical significance of this alteration remains unclear.

Labcorp Genetics (formerly Invitae), Labcorp
Classification: Uncertain significance for Hereditary breast ovarian cancer syndrome. Last evaluated: 2022-02-18. Review status: criteria provided, single submitter. Criteria: Invitae Variant Classification Sherloc (09022015). Collection method: clinical testing. Allele origin: germline.
Comment: In summary, the available evidence is currently insufficient to determine the role of this variant in disease. Therefore, it has been classified as a Variant of Uncertain Significance. Advanced modeling of protein sequence and biophysical properties (such as structural, functional, and spatial information, amino acid conservation, physicochemical variation, residue mobility, and thermodynamic stability) performed at Invitae indicates that this missense variant is not expected to disrupt BRCA1 protein function. ClinVar contains an entry for this variant (Variation ID: 232405). This variant has not been reported in the literature in individuals affected with BRCA1-related conditions. This variant is present in population databases (rs758598971, gnomAD 0.02%). This sequence change replaces glycine, which is neutral and non-polar, with serine, which is neutral and polar, at codon 552 of the BRCA1 protein (p.Gly552Ser).

Color Diagnostics, LLC DBA Color Health
Classification: Uncertain significance for Hereditary cancer-predisposing syndrome. Last evaluated: 2019-06-03. Review status: criteria provided, single submitter. Criteria: ACMG Guidelines, 2015. Collection method: clinical testing. Allele origin: germline.

NM_007294.4(BRCA1):c.1654G>A (p.Gly552Ser)

Gene: BRCA1 (BRCA1 DNA repair associated; minus strand). Cytogenetic location: 17q21.31.
Variant type: single nucleotide variant.
Coding change: c.1654G>A on transcript NM_007294.4 (MANE Select); coding-DNA position 1654, G replaced by A.
Protein change: p.Gly552Ser; replaces glycine 552 with serine.
Molecular consequence: missense variant. On other transcripts: intron variant (137).
Genome position (GRCh38, 1-based): chr17:43,093,877, C>T on the plus strand (G>A on the coding strand, the complement: BRCA1 is on the minus strand). VCF-style: chr17-43093877-C-T. GRCh37 (hg19) VCF-style: chr17-41245894-C-T.
Other names: c.1513G>A, p.Gly505Ser (NM_001407942.1, NM_001407944.1, NM_001407945.1 and 29 more transcripts); c.1510G>A, p.Gly504Ser (NM_001407943.1, NM_001407964.1, NM_001407740.1 and 20 more transcripts); c.1321G>A, p.Gly441Ser (NM_001407946.1, NM_001407947.1, NM_001407948.1 and 6 more transcripts); c.1318G>A, p.Gly440Ser (NM_001407954.1, NM_001407955.1, NM_001407956.1 and 1 more transcripts); c.1273G>A, p.Gly425Ser (NM_001407959.1, NM_001407960.1, NM_001407963.1); c.1270G>A, p.Gly424Ser (NM_001407962.1); c.1150G>A, p.Gly384Ser (NM_001407965.1); c.766G>A, p.Gly256Ser (NM_001407966.1, NM_001407967.1); and 40 more; short protein forms G552S, G505S, G256S, G441S, G481S, G485S, G511S, G525S.
Identifiers: ClinVar variation 232405 (VCV000232405.23), dbSNP rs758598971, ClinGen allele CA057428.